The following is an entry in ClinVar:

ClinVar aggregate classification (germline): Uncertain significance (1 of 4 stars; one submission).

Conditions:
Cardiovascular phenotype. Identifiers: MedGen CN230736.

Allele frequency attached by ClinVar (database versions not stated): TOPMed below 0.00001.
gnomAD v4.1: 1 of 1,456,526 alleles (0.000069%); highest among the groups gnomAD compares: Non-Finnish European, 0.000092%; no homozygotes.

Submission:

Ambry Genetics
Classification: Uncertain significance for Cardiovascular phenotype. Last evaluated: 2021-08-24. Review status: criteria provided, single submitter. Criteria: Ambry Variant Classification Scheme 2023. Collection method: clinical testing. Allele origin: germline.
Comment: The p.E332G variant (also known as c.995A>G), located in coding exon 8 of the AKAP9 gene, results from an A to G substitution at nucleotide position 995. The glutamic acid at codon 332 is replaced by glycine, an amino acid with similar properties. This amino acid position is not well conserved in available vertebrate species. In addition, this alteration is predicted to be tolerated by in silico analysis. Since supporting evidence is limited at this time, the clinical significance of this alteration remains unclear.

NM_005751.5(AKAP9):c.995A>G (p.Glu332Gly)

Gene: AKAP9 (A-kinase anchoring protein 9; plus strand). Cytogenetic location: 7q21.2.
Variant type: single nucleotide variant.
Coding change: c.995A>G on transcript NM_005751.5 (MANE Select); coding-DNA position 995, A replaced by G.
Protein change: p.Glu332Gly; replaces glutamic acid 332 with glycine.
Molecular consequence: missense variant.
Genome position (GRCh38, 1-based): chr7:92,000,912, A>G. VCF-style: chr7-92000912-A-G. GRCh37 (hg19) VCF-style: chr7-91630226-A-G.
Other names: c.995A>G, p.Glu332Gly (NM_147185.3); short protein forms E332G.
Identifiers: ClinVar variation 1768722 (VCV001768722.2), dbSNP rs1799077439, ClinGen allele CA368120760.